The following is an entry in ClinVar:

ClinVar aggregate classification (germline): Uncertain significance (1 of 4 stars; one submission).

Conditions:
Cardiovascular phenotype. Identifiers: MedGen CN230736.
Hereditary cancer-predisposing syndrome. Also called: Tumor predisposition; Neoplastic Syndromes, Hereditary; Hereditary Cancer Syndrome; Hereditary neoplastic syndrome. Identifiers: Orphanet 140162, MedGen C0027672, MeSH D009386, MONDO:0015356.

Submission:

Ambry Genetics
Classification: Uncertain significance for Cardiovascular phenotype; Hereditary cancer-predisposing syndrome. Last evaluated: 2024-12-13. Review status: criteria provided, single submitter. Criteria: Ambry Variant Classification Scheme 2023. Collection method: clinical testing. Allele origin: germline.
Comment: The p.V2551I variant (also known as c.7651G>A), located in coding exon 51 of the NF1 gene, results from a G to A substitution at nucleotide position 7651. The valine at codon 2551 is replaced by isoleucine, an amino acid with highly similar properties. This amino acid position is conserved. In addition, this alteration is predicted to be tolerated by in silico analysis. Based on the available evidence, the clinical significance of this variant remains unclear.

NM_001042492.3(NF1):c.7714G>A (p.Val2572Ile)

Gene: NF1 (neurofibromin 1; plus strand). Cytogenetic location: 17q11.2.
Variant type: single nucleotide variant.
Coding change: c.7714G>A on transcript NM_001042492.3 (MANE Select); coding-DNA position 7714, G replaced by A.
Protein change: p.Val2572Ile; replaces valine 2572 with isoleucine.
Molecular consequence: missense variant.
Genome position (GRCh38, 1-based): chr17:31,356,558, G>A. VCF-style: chr17-31356558-G-A. GRCh37 (hg19) VCF-style: chr17-29683576-G-A.
Other names: c.7651G>A, p.Val2551Ile (NM_000267.4); short protein forms V2572I, V2551I.
Identifiers: ClinVar variation 3878998 (VCV003878998.1).